The following is an entry in ClinVar:

NM_002519.3(NPAT):c.2606C>G (p.Ala869Gly)

Gene: NPAT (nuclear protein, coactivator of histone transcription; minus strand). Cytogenetic location: 11q22.3.
Variant type: single nucleotide variant.
Coding change: c.2606C>G on transcript NM_002519.3 (MANE Select); coding-DNA position 2606, C replaced by G.
Protein change: p.Ala869Gly; replaces alanine 869 with glycine.
Molecular consequence: missense variant.
Genome position (GRCh38, 1-based): chr11:108,172,378, G>C on the plus strand (C>G on the coding strand, the complement: NPAT is on the minus strand). VCF-style: chr11-108172378-G-C. GRCh37 (hg19) VCF-style: chr11-108043105-G-C.
Other names: c.2606C>G, p.Ala869Gly (NM_001321307.1); short protein forms A869G.
Identifiers: ClinVar variation 1793730 (VCV001793730.2), dbSNP rs1472148766, ClinGen allele CA382512614.
Genomic context (GRCh38, chr11:108,172,378, plus strand): 5'-ACCACTACATTAGACTGACTTACAGATGTTCCTAACGCTGTTGGATCAGTCACACAGGTA[G>C]CTATCAGAATGTTATTTGAATTGCCAAAAGCTGTGCTTGTGGCTGGCATCAACTGTATAT-3'
Protein context (NP_002510.2, residues 859-879): AFGNSNNILI[Ala869Gly]TCVTDPTALG

ClinVar aggregate classification (germline): Uncertain significance (1 of 4 stars; one submission).

Submission:

Ambry Genetics
Classification: Uncertain significance. Last evaluated: 2023-11-15. Review status: criteria provided, single submitter. Criteria: Ambry Variant Classification Scheme 2023. Collection method: clinical testing. Allele origin: germline.
Comment: The p.A869G variant (also known as c.2606C>G), located in coding exon 13 of the NPAT gene, results from a C to G substitution at nucleotide position 2606. The alanine at codon 869 is replaced by glycine, an amino acid with similar properties. This amino acid position is conserved. In addition, this alteration is predicted to be tolerated by in silico analysis. Since supporting evidence is limited at this time, the clinical significance of this alteration remains unclear.